The following is an entry in ClinVar:

ClinVar aggregate classification (germline): Uncertain significance. Review status: criteria provided, multiple submitters, no conflicts (2 of 4 stars). 2 submissions from 2 submitters: Uncertain significance (2). Last evaluated 2025-10-22.

Conditions:
Hereditary cancer-predisposing syndrome. Also called: Hereditary Cancer Syndrome; Hereditary neoplastic syndrome; Tumor predisposition; Neoplastic Syndromes, Hereditary. Identifiers: Orphanet 140162, MedGen C0027672, MeSH D009386, MONDO:0015356.

Submissions (2):

Ambry Genetics
Classification: Uncertain significance for Hereditary cancer-predisposing syndrome. Last evaluated: 2025-10-22. Review status: criteria provided, single submitter. Criteria: Ambry Variant Classification Scheme 2023. Collection method: clinical testing. Allele origin: germline.
Comment: The p.G440R variant (also known as c.1318G>A), located in coding exon 9 of the RAD50 gene, results from a G to A substitution at nucleotide position 1318. The glycine at codon 440 is replaced by arginine, an amino acid with dissimilar properties. This amino acid position is conserved. In addition, this alteration is predicted to be tolerated by in silico analysis. Based on the available evidence, the clinical significance of this variant remains unclear.

Labcorp Genetics (formerly Invitae), Labcorp
Classification: Uncertain significance for Hereditary cancer-predisposing syndrome. Last evaluated: 2025-04-26. Review status: criteria provided, single submitter. Criteria: Invitae Variant Classification Sherloc (09022015). Collection method: clinical testing. Allele origin: germline.
Comment: This sequence change replaces glycine, which is neutral and non-polar, with arginine, which is basic and polar, at codon 440 of the RAD50 protein (p.Gly440Arg). This variant is not present in population databases (gnomAD no frequency). This variant has not been reported in the literature in individuals affected with RAD50-related conditions. ClinVar contains an entry for this variant (Variation ID: 2880899). Invitae Evidence Modeling of protein sequence and biophysical properties (such as structural, functional, and spatial information, amino acid conservation, physicochemical variation, residue mobility, and thermodynamic stability) indicates that this missense variant is not expected to disrupt RAD50 protein function with a negative predictive value of 80%. In summary, the available evidence is currently insufficient to determine the role of this variant in disease. Therefore, it has been classified as a Variant of Uncertain Significance.

NM_005732.4(RAD50):c.1318G>A (p.Gly440Arg)

Gene: RAD50 (RAD50 double strand break repair protein; plus strand). Cytogenetic location: 5q31.1.
Variant type: single nucleotide variant.
Coding change: c.1318G>A on transcript NM_005732.4 (MANE Select); coding-DNA position 1318, G replaced by A.
Protein change: p.Gly440Arg; replaces glycine 440 with arginine.
Molecular consequence: missense variant.
Genome position (GRCh38, 1-based): chr5:132,589,703, G>A. VCF-style: chr5-132589703-G-A. GRCh37 (hg19) VCF-style: chr5-131925395-G-A.
Other names: c.1318G>A (NM_005732.3); short protein forms G440R.
Identifiers: ClinVar variation 2880899 (VCV002880899.4), dbSNP rs2479637037, ClinGen allele CA360943811.